The following is an entry in ClinVar:

NM_203446.3(SYNJ1):c.1353+5A>G

Gene: SYNJ1 (synaptojanin 1; minus strand). Cytogenetic location: 21q22.11.
Variant type: single nucleotide variant.
Coding change: c.1353+5A>G on transcript NM_203446.3 (MANE Select); 5 bases into the intron after coding-DNA position 1353, A replaced by G.
Molecular consequence: intron variant.
Genome position (GRCh38, 1-based): chr21:32,681,491, T>C on the plus strand (A>G on the coding strand, the complement: SYNJ1 is on the minus strand). VCF-style: chr21-32681491-T-C. GRCh37 (hg19) VCF-style: chr21-34053801-T-C.
Other names: c.1470+5A>G (NM_003895.4); c.1353+5A>G (NM_001160302.2, NM_001160306.2).
Identifiers: ClinVar variation 946737 (VCV000946737.10), dbSNP rs376825246, ClinGen allele CA10003920.

ClinVar aggregate classification (germline): Uncertain significance (1 of 4 stars; one submission).

Conditions:
Early-onset Parkinson disease 20. Also called: PARKINSON DISEASE 20, AUTOSOMAL RECESSIVE EARLY-ONSET. Identifiers: Orphanet 391411, MedGen C3809824, MONDO:0014233, OMIM 615530.
Developmental and epileptic encephalopathy, 53. Also called: Epileptic encephalopathy, early infantile, 53. Identifiers: MedGen C4479313, MONDO:0033362, OMIM 617389.

Allele frequency attached by ClinVar (database versions not stated): gnomAD exomes below 0.00001; TOPMed below 0.00001; ExAC 0.00001; ESP Exome Variant Server 0.00008.
gnomAD v4.1: 2 of 1,610,562 alleles (0.00012%); highest among the groups gnomAD compares: Non-Finnish European, 0.000085%; no homozygotes.

Submission:

Labcorp Genetics (formerly Invitae), Labcorp
Classification: Uncertain significance for Developmental and epileptic encephalopathy, 53; Early-onset Parkinson disease 20. Last evaluated: 2020-10-03. Review status: criteria provided, single submitter. Criteria: Invitae Variant Classification Sherloc (09022015). Collection method: clinical testing. Allele origin: germline.
Comment: This sequence change falls in intron 11 of the SYNJ1 gene. It does not directly change the encoded amino acid sequence of the SYNJ1 protein, but it affects a nucleotide within the consensus splice site of the intron. This variant is present in population databases (rs376825246, ExAC 0.002%). This variant has not been reported in the literature in individuals with SYNJ1-related conditions. Nucleotide substitutions within the consensus splice site are a relatively common cause of aberrant splicing (PMID: 17576681, 9536098). Algorithms developed to predict the effect of sequence changes on RNA splicing suggest that this variant may create or strengthen a splice site, but this prediction has not been confirmed by published transcriptional studies. In summary, the available evidence is currently insufficient to determine the role of this variant in disease. Therefore, it has been classified as a Variant of Uncertain Significance.

Literature cited by the submitters: PubMed 17576681; PubMed 9536098.